The following is an entry in ClinVar:

ClinVar aggregate classification (germline): Uncertain significance (1 of 4 stars; one submission).

Submission:

GeneDx
Classification: Uncertain significance. Last evaluated: 2026-02-11. Review status: criteria provided, single submitter. Criteria: GeneDx Variant Classification Process June 2021. Collection method: clinical testing. Allele origin: germline.
Comment: Not observed at significant frequency in large population cohorts (gnomAD); In silico analysis suggests that this missense variant does not alter protein structure/function; Has not been previously published as pathogenic or benign to our knowledge

NM_003482.4(KMT2D):c.13138C>T (p.Pro4380Ser)

Gene: KMT2D (lysine methyltransferase 2D; minus strand). Cytogenetic location: 12q13.12.
Variant type: single nucleotide variant.
Coding change: c.13138C>T on transcript NM_003482.4 (MANE Select); coding-DNA position 13138, C replaced by T.
Protein change: p.Pro4380Ser; replaces proline 4380 with serine.
Molecular consequence: missense variant.
Genome position (GRCh38, 1-based): chr12:49,031,567, G>A on the plus strand (C>T on the coding strand, the complement: KMT2D is on the minus strand). VCF-style: chr12-49031567-G-A. GRCh37 (hg19) VCF-style: chr12-49425350-G-A.
Other names: short protein forms P4380S.
Identifiers: ClinVar variation 3252835 (VCV003252835.2), dbSNP rs369009384.
Genomic context (GRCh38, chr12:49,031,567, plus strand): 5'-CCAGATGCCCAGGTACCAGGCTGCTCTGCTCTGGCTTCTGGGTTTCTGCTAGGTTGTCTG[G>A]GGGATCCCAAGGTCCCAGACCCTTGCTAAACAAGGTATCTGCAAGCTGGGCAGCAGCAGG-3'
Protein context (NP_003473.3, residues 4370-4390): FSKGLGPWDP[Pro4380Ser]DNLAETQKPE